The following is an entry in ClinVar:

NM_000492.4(CFTR):c.3717+4A>G

Genes: CFTR (CF transmembrane conductance regulator; plus strand), CFTR-AS2 (CFTR antisense RNA 2; minus strand). Cytogenetic location: 7q31.2.
Variant type: single nucleotide variant.
Coding change: c.3717+4A>G on transcript NM_000492.4 (MANE Select); 4 bases into the intron after coding-DNA position 3717, A replaced by G.
Molecular consequence: intron variant.
Genome position (GRCh38, 1-based): chr7:117,627,774, A>G. VCF-style: chr7-117627774-A-G. GRCh37 (hg19) VCF-style: chr7-117267828-A-G.
Other names: 3849+4A->G; IVS19, A-G, +4.
Identifiers: ClinVar variation 7138 (VCV000007138.9), dbSNP rs387906362, ClinGen allele CA325534.

ClinVar aggregate classification (germline): Pathogenic. Review status: reviewed by expert panel (3 of 4 stars). 5 submissions from 5 submitters: Pathogenic (1). 4 of the submissions do not count toward it. Last evaluated 2017-03-17.

Conditions:
Cystic fibrosis (CF). Also called: MUCOVISCIDOSIS. Identifiers: Orphanet 586, MedGen C0010674, MONDO:0009061, OMIM 219700. Disease mechanism: loss of function.

Submissions (5):

CFTR2
Classification: Pathogenic for Cystic fibrosis. Last evaluated: 2017-03-17. Review status: reviewed by expert panel. Criteria: Sosnay PR et al. (Nat Genet 2013). Collection method: research. Allele origin: germline. Affected: yes. Study: CFTR2.

Myriad Genetics, Inc.
Classification: Likely pathogenic for Cystic fibrosis. Last evaluated: 2019-11-12. Review status: criteria provided, single submitter. Criteria: Myriad Women's Health Autosomal Recessive and X-Linked Classification Criteria (2019). Collection method: clinical testing. Allele origin: unknown. Not counted in ClinVar's aggregate classification.
Comment: NM_000492.3(CFTR):c.3717+4A>G is classified as likely pathogenic in the context of cystic fibrosis. Sources cited for classification include the following: PMID 17825628, 12815607, 9003508, 1371265 and 17825628. Classification of NM_000492.3(CFTR):c.3717+4A>G is based on the following criteria: This variant has been observed more frequently in patients with clinical diagnoses than in healthy populations. Please note: this variant was assessed in the context of healthy population screening.

CFTR-France
Classification: Pathogenic for cystic fibrosis. Last evaluated: 2018-01-29. Review status: criteria provided, single submitter. Criteria: Claustres M et al. (Hum Mutat 2017). Collection method: curation. Allele origin: germline. Affected: yes. Not counted in ClinVar's aggregate classification.

Natera, Inc.
Classification: Pathogenic for Cystic Fibrosis. Last evaluated: 2020-09-16. Review status: no assertion criteria provided. Collection method: clinical testing. Allele origin: germline. Not counted in ClinVar's aggregate classification.

OMIM
Classification: Pathogenic for CYSTIC FIBROSIS. Last evaluated: 1992-02-01. Review status: no assertion criteria provided. Collection method: literature only. Allele origin: germline. Not counted in ClinVar's aggregate classification.

Literature cited by the submitters: PubMed 17825628 (cited by Myriad Genetics, Inc.); PubMed 12815607 (cited by Myriad Genetics, Inc.); PubMed 9003508 (cited by Myriad Genetics, Inc.); PubMed 1371265 (cited by Myriad Genetics, Inc. and OMIM).